The following is an entry in ClinVar:

ClinVar aggregate classification (germline): Uncertain significance. Review status: criteria provided, multiple submitters, no conflicts (2 of 4 stars). 3 submissions from 3 submitters: Uncertain significance (3). Last evaluated 2024-12-04.

Conditions:
Pheochromocytoma/paraganglioma syndrome 3. Also called: GLOMUS TUMORS, FAMILIAL, 3; Paragangliomas 3; SDHC-Related Hereditary Paraganglioma-Pheochromocytoma Syndrome (Paragangliomas 3); SDHC-Related Hereditary Paraganglioma-Pheochromocytoma Syndrome. Identifiers: Orphanet 29072, MedGen C1854336, MONDO:0011544, OMIM 605373.
Gastrointestinal stromal tumor. Also called: Gastrointestinal stromal tumor, somatic; Gastrointestinal stroma tumor. Identifiers: Orphanet 44890, MedGen C0238198, MeSH D046152, MONDO:0011719, OMIM 606764, HP:0100723.
Hereditary cancer-predisposing syndrome. Also called: Tumor predisposition; Neoplastic Syndromes, Hereditary; Hereditary Cancer Syndrome; Hereditary neoplastic syndrome. Identifiers: Orphanet 140162, MedGen C0027672, MeSH D009386, MONDO:0015356.

Submissions (3):

GeneDx
Classification: Uncertain significance. Last evaluated: 2024-12-04. Review status: criteria provided, single submitter. Criteria: GeneDx Variant Classification Process June 2021. Collection method: clinical testing. Allele origin: germline. Affected: yes.
Comment: Not observed at significant frequency in large population cohorts (gnomAD); In silico analysis supports that this missense variant has a deleterious effect on protein structure/function; Has not been previously published as pathogenic or benign to our knowledge

Ambry Genetics
Classification: Uncertain significance for Hereditary cancer-predisposing syndrome. Last evaluated: 2023-03-04. Review status: criteria provided, single submitter. Criteria: Ambry Variant Classification Scheme 2023. Collection method: clinical testing. Allele origin: germline.
Comment: The p.N49I variant (also known as c.146A>T), located in coding exon 3 of the SDHC gene, results from an A to T substitution at nucleotide position 146. The asparagine at codon 49 is replaced by isoleucine, an amino acid with dissimilar properties. This amino acid position is conserved. In addition, this alteration is predicted to be deleterious by in silico analysis. Since supporting evidence is limited at this time, the clinical significance of this alteration remains unclear.

Labcorp Genetics (formerly Invitae), Labcorp
Classification: Uncertain significance for Pheochromocytoma/paraganglioma syndrome 3; Gastrointestinal stromal tumor. Last evaluated: 2022-05-22. Review status: criteria provided, single submitter. Criteria: Invitae Variant Classification Sherloc (09022015). Collection method: clinical testing. Allele origin: germline.
Comment: This sequence change replaces asparagine, which is neutral and polar, with isoleucine, which is neutral and non-polar, at codon 49 of the SDHC protein (p.Asn49Ile). In summary, the available evidence is currently insufficient to determine the role of this variant in disease. Therefore, it has been classified as a Variant of Uncertain Significance. Algorithms developed to predict the effect of missense changes on protein structure and function are either unavailable or do not agree on the potential impact of this missense change (SIFT: "Deleterious"; PolyPhen-2: "Probably Damaging"; Align-GVGD: "Class C0"). This variant has not been reported in the literature in individuals affected with SDHC-related conditions. This variant is not present in population databases (gnomAD no frequency).

NM_003001.5(SDHC):c.146A>T (p.Asn49Ile)

Gene: SDHC (succinate dehydrogenase complex subunit C; plus strand). Cytogenetic location: 1q23.3.
Variant type: single nucleotide variant.
Coding change: c.146A>T on transcript NM_003001.5 (MANE Select); coding-DNA position 146, A replaced by T.
Protein change: p.Asn49Ile; replaces asparagine 49 with isoleucine.
Molecular consequence: missense variant. On other transcripts: non-coding transcript variant (1), intron variant (4).
Genome position (GRCh38, 1-based): chr1:161,328,464, A>T. VCF-style: chr1-161328464-A-T. GRCh37 (hg19) VCF-style: chr1-161298254-A-T.
Other names: c.89A>T, p.Asn30Ile (NM_001407117.1, NM_001407121.1, NM_001407116.1); c.35A>T, p.Asn12Ile (NM_001407119.1, NM_001407120.1); c.77+4794A>T (NM_001035512.3, NM_001278172.3, NM_001407118.1); c.21-12130A>T (NM_001035513.3); c.146A>T, p.Asn49Ile (NM_001035511.3, NM_001407115.1); short protein forms N49I, N30I, N12I.
Identifiers: ClinVar variation 1508382 (VCV001508382.12), dbSNP rs1571851610, ClinGen allele CA343361216.
Genomic context (GRCh38, chr1:161,328,464, plus strand): 5'-CTTTGGGAACCACGGCCAAAGAAGAGATGGAGCGGTTCTGGAATAAGAATATAGGTTCAA[A>T]CCGTCCTCTGTCTCCCCACATTACTATCTACAGGTAAGGAAGGATTCTGGAGCCAGAGAA-3'
Protein context (NP_002992.1, residues 39-59): ERFWNKNIGS[Asn49Ile]RPLSPHITIY